The following is an entry in ClinVar:

ClinVar aggregate classification (germline): Likely benign (1 of 4 stars; one submission).

gnomAD v4.1: 1 of 1,196,288 alleles (0.000084%); highest among the groups gnomAD compares: Middle Eastern, 0.023%; no homozygotes.

Submission:

CeGaT Center for Human Genetics Tuebingen
Classification: Likely benign. Last evaluated: 2022-10-01. Review status: criteria provided, single submitter. Criteria: CeGaT Center For Human Genetics Tuebingen Variant Classification Criteria Version 2. Collection method: clinical testing. Allele origin: germline. Affected: yes. Observed: 1 variant allele.
Comment: LRCH2: PM2:Supporting, BP4, BP7

NM_020871.4(LRCH2):c.2250G>T (p.Ala750=)

Gene: LRCH2 (leucine rich repeats and calponin homology domain containing 2; minus strand). Cytogenetic location: Xq23.
Variant type: single nucleotide variant.
Coding change: c.2250G>T on transcript NM_020871.4 (MANE Select); coding-DNA position 2250, G replaced by T.
Protein change: p.Ala750=; no amino-acid change (alanine 750 retained).
Molecular consequence: synonymous variant.
Genome position (GRCh38, 1-based): chrX:115,113,264, C>A on the plus strand (G>T on the coding strand, the complement: LRCH2 is on the minus strand). VCF-style: chrX-115113264-C-A. GRCh37 (hg19) VCF-style: chrX-114347827-C-A.
Other names: c.2199G>T, p.Ala733= (NM_001243963.2).
Identifiers: ClinVar variation 2661228 (VCV002661228.24), dbSNP rs1556523225, ClinGen allele CA518259544.